The following is an entry in ClinVar:

ClinVar aggregate classification (germline): Uncertain significance (1 of 4 stars; one submission).

Submission:

Labcorp Genetics (formerly Invitae), Labcorp
Classification: Uncertain significance. Last evaluated: 2022-07-29. Review status: criteria provided, single submitter. Criteria: Invitae Variant Classification Sherloc (09022015). Collection method: clinical testing. Allele origin: germline.
Comment: This variant has not been reported in the literature in individuals affected with FLNB-related conditions. Advanced modeling of protein sequence and biophysical properties (such as structural, functional, and spatial information, amino acid conservation, physicochemical variation, residue mobility, and thermodynamic stability) performed at Invitae indicates that this missense variant is not expected to disrupt FLNB protein function. In summary, the available evidence is currently insufficient to determine the role of this variant in disease. Therefore, it has been classified as a Variant of Uncertain Significance. This variant is not present in population databases (gnomAD no frequency). This sequence change replaces glutamic acid, which is acidic and polar, with lysine, which is basic and polar, at codon 2351 of the FLNB protein (p.Glu2351Lys).

NM_001457.4(FLNB):c.7051G>A (p.Glu2351Lys)

Genes: FLNB (filamin B; plus strand), FLNB-AS1 (FLNB antisense RNA 1; minus strand). Cytogenetic location: 3p14.3.
Variant type: single nucleotide variant.
Coding change: c.7051G>A on transcript NM_001457.4 (MANE Select); coding-DNA position 7051, G replaced by A.
Protein change: p.Glu2351Lys; replaces glutamic acid 2351 with lysine.
Molecular consequence: missense variant. On other transcripts: non-coding transcript variant (1).
Genome position (GRCh38, 1-based): chr3:58,163,183, G>A. VCF-style: chr3-58163183-G-A. GRCh37 (hg19) VCF-style: chr3-58148910-G-A.
Other names: c.7144G>A, p.Glu2382Lys (NM_001164317.2); c.7018G>A, p.Glu2340Lys (NM_001164318.2); c.6979G>A, p.Glu2327Lys (NM_001164319.2); short protein forms E2340K, E2351K, E2382K, E2327K.
Identifiers: ClinVar variation 1967902 (VCV001967902.5), dbSNP rs2471254149, ClinGen allele CA353364335.